The following is an entry in ClinVar:

NM_001267550.2(TTN):c.82804G>A (p.Val27602Ile)

Genes: TTN (titin; minus strand), TTN-AS1 (TTN antisense RNA 1; plus strand). Cytogenetic location: 2q31.2.
Variant type: single nucleotide variant.
Coding change: c.82804G>A on transcript NM_001267550.2 (MANE Select); coding-DNA position 82804, G replaced by A.
Protein change: p.Val27602Ile; replaces valine 27602 with isoleucine.
Molecular consequence: missense variant.
Genome position (GRCh38, 1-based): chr2:178,563,328, C>T on the plus strand (G>A on the coding strand, the complement: TTN is on the minus strand). VCF-style: chr2-178563328-C-T. GRCh37 (hg19) VCF-style: chr2-179428055-C-T.
Other names: c.77881G>A, p.Val25961Ile (NM_001256850.1); c.55609G>A, p.Val18537Ile (NM_003319.4); c.75100G>A, p.Val25034Ile (NM_133378.4); c.55984G>A, p.Val18662Ile (NM_133432.3); c.56185G>A, p.Val18729Ile (NM_133437.4); short protein forms V25034I, V27602I, V18662I, V18537I, V18729I, V25961I.
Identifiers: ClinVar variation 263483 (VCV000263483.3), dbSNP rs886038821, ClinGen allele CA10587468.

ClinVar aggregate classification (germline): Uncertain significance (1 of 4 stars; one submission).

Conditions:
Cardiovascular phenotype. Identifiers: MedGen CN230736.

Submission:

Ambry Genetics
Classification: Uncertain significance for Cardiovascular phenotype. Last evaluated: 2013-01-14. Review status: criteria provided, single submitter. Criteria: Ambry Autosomal Dominant and X-Linked criteria (10/2015). Collection method: clinical testing. Allele origin: germline. Observed: 1 variant allele.
Comment: There is insufficient or conflicting evidence for classification of this alteration.